The following is an entry in ClinVar:

ClinVar aggregate classification (germline): Benign (1 of 4 stars; one submission).

Conditions:
Multiple endocrine neoplasia type 2A. Also called: Multiple Endocrine Neoplasia Type 2A (MEN2A); MULTIPLE ENDOCRINE NEOPLASIA, TYPE IIA; PTC SYNDROME; SIPPLE SYNDROME; MEN 2A; MEN-2A syndrome. Identifiers: Orphanet 247698, Orphanet 653, MedGen C0025268, MeSH D018813, MONDO:0008234, OMIM 171400.

Submission:

Myriad Genetics, Inc.
Classification: Benign for Multiple endocrine neoplasia type 2A. Last evaluated: 2025-02-26. Review status: criteria provided, single submitter. Criteria: Myriad Autosomal Dominant, Autosomal Recessive and X-Linked Classification Criteria (2023). Collection method: clinical testing. Allele origin: unknown.
Comment: This variant is considered benign. This variant is a silent/synonymous amino acid change and it is not expected to impact splicing.

NM_020975.6(RET):c.2016T>C (p.Ala672=)

Gene: RET (ret proto-oncogene; plus strand). Cytogenetic location: 10q11.21.
Variant type: single nucleotide variant.
Coding change: c.2016T>C on transcript NM_020975.6 (MANE Select); coding-DNA position 2016, T replaced by C.
Protein change: p.Ala672=; no amino-acid change (alanine 672 retained).
Molecular consequence: synonymous variant.
Genome position (GRCh38, 1-based): chr10:43,114,616, T>C. VCF-style: chr10-43114616-T-C. GRCh37 (hg19) VCF-style: chr10-43610064-T-C.
Other names: c.1254T>C, p.Ala418= (NM_001355216.2); c.2016T>C, p.Ala672= (NM_001406743.1, NM_001406744.1, NM_001406759.1 and 2 more transcripts); c.1887T>C, p.Ala629= (NM_001406761.1, NM_001406762.1, NM_001406764.1); c.1881T>C, p.Ala627= (NM_001406763.1, NM_001406765.1); c.1728T>C, p.Ala576= (NM_001406766.1, NM_001406767.1, NM_001406770.1); c.1752T>C, p.Ala584= (NM_001406768.1); c.1620T>C, p.Ala540= (NM_001406769.1, NM_001406772.1); c.1578T>C, p.Ala526= (NM_001406771.1, NM_001406773.1); and 10 more.
Identifiers: ClinVar variation 3904715 (VCV003904715.1).
Genomic context (GRCh38, chr10:43,114,616, plus strand): 5'-GTCTGCCTTCTGCATCCACTGCTACCACAAGTTTGCCCACAAGCCACCCATCTCCTCAGC[T>C]GAGATGACCTTCCGGAGGCCCGCCCAGGCCTTCCCGGTCAGCTACTCCTCTTCCGGTGCC-3'
Protein context (NP_066124.1, residues 662-682): KFAHKPPISS[Ala672=]EMTFRRPAQA